The following is an entry in ClinVar:

ClinVar aggregate classification (germline): Uncertain significance (1 of 4 stars; one submission).

Conditions:
SH3TC2-related disorder. Also called: SH3TC2-related disorders; SH3TC2-related condition. Identifiers: MedGen CN239303.

Submission:

PreventionGenetics, part of Exact Sciences
Classification: Uncertain significance for SH3TC2-related condition. Last evaluated: 2026-02-19. Review status: criteria provided, single submitter. Criteria: ACMG Guidelines, 2015. Collection method: clinical testing. Allele origin: germline.
Comment: The SH3TC2 c.898T>C variant is predicted to result in the amino acid substitution p.Phe300Leu. To our knowledge, this variant has not been reported in the literature or in a large population database (gnomAD), indicating this variant is rare. At this time, the clinical significance of this variant is uncertain due to the absence of conclusive functional and genetic evidence.

NM_024577.4(SH3TC2):c.898T>C (p.Phe300Leu)

Gene: SH3TC2 (SH3 domain and tetratricopeptide repeats 2; minus strand). Cytogenetic location: 5q32.
Variant type: single nucleotide variant.
Coding change: c.898T>C on transcript NM_024577.4 (MANE Select); coding-DNA position 898, T replaced by C.
Protein change: p.Phe300Leu; replaces phenylalanine 300 with leucine.
Molecular consequence: missense variant.
Genome position (GRCh38, 1-based): chr5:149,038,398, A>G on the plus strand (T>C on the coding strand, the complement: SH3TC2 is on the minus strand). VCF-style: chr5-149038398-A-G. GRCh37 (hg19) VCF-style: chr5-148417961-A-G.
Other names: short protein forms F300L.
Identifiers: ClinVar variation 5002402 (VCV005002402.1).